The following is an entry in ClinVar:

ClinVar aggregate classification (germline): Uncertain significance. Review status: criteria provided, multiple submitters, no conflicts (2 of 4 stars). 2 submissions from 2 submitters: Uncertain significance (2). Last evaluated 2026-01-22.

Conditions:
DICER1-related tumor predisposition. Also called: DICER1-related pleuropulmonary blastoma cancer predisposition syndrome; DICER1 syndrome. Identifiers: Orphanet 284343, MedGen C3839822, MONDO:0100216.
Hereditary cancer-predisposing syndrome. Also called: Hereditary Cancer Syndrome; Neoplastic Syndromes, Hereditary; Tumor predisposition; Hereditary neoplastic syndrome. Identifiers: Orphanet 140162, MedGen C0027672, MeSH D009386, MONDO:0015356.

Submissions (2):

Ambry Genetics
Classification: Uncertain significance for Hereditary cancer-predisposing syndrome. Last evaluated: 2026-01-22. Review status: criteria provided, single submitter. Criteria: Ambry Variant Classification Scheme 2023. Collection method: clinical testing. Allele origin: germline.
Comment: The p.Q928E variant (also known as c.2782C>G), located in coding exon 16 of the DICER1 gene, results from a C to G substitution at nucleotide position 2782. The glutamine at codon 928 is replaced by glutamic acid, an amino acid with highly similar properties. This amino acid position is conserved. In addition, this alteration is predicted to be tolerated by in silico analysis. Based on the available evidence, the clinical significance of this variant remains unclear.

Labcorp Genetics (formerly Invitae), Labcorp
Classification: Uncertain significance for DICER1-related tumor predisposition. Last evaluated: 2022-01-05. Review status: criteria provided, single submitter. Criteria: Invitae Variant Classification Sherloc (09022015). Collection method: clinical testing. Allele origin: germline.
Comment: In summary, the available evidence is currently insufficient to determine the role of this variant in disease. Therefore, it has been classified as a Variant of Uncertain Significance. Algorithms developed to predict the effect of missense changes on protein structure and function are either unavailable or do not agree on the potential impact of this missense change (SIFT: "Deleterious"; PolyPhen-2: "Possibly Damaging"; Align-GVGD: "Class C0"). ClinVar contains an entry for this variant (Variation ID: 1016011). This variant has not been reported in the literature in individuals affected with DICER1-related conditions. This variant is not present in population databases (gnomAD no frequency). This sequence change replaces glutamine, which is neutral and polar, with glutamic acid, which is acidic and polar, at codon 928 of the DICER1 protein (p.Gln928Glu).

NM_177438.3(DICER1):c.2782C>G (p.Gln928Glu)

Gene: DICER1 (dicer 1, ribonuclease III; minus strand). Cytogenetic location: 14q32.13.
Variant type: single nucleotide variant.
Coding change: c.2782C>G on transcript NM_177438.3 (MANE Select); coding-DNA position 2782, C replaced by G.
Protein change: p.Gln928Glu; replaces glutamine 928 with glutamic acid.
Molecular consequence: missense variant.
Genome position (GRCh38, 1-based): chr14:95,107,630, G>C on the plus strand (C>G on the coding strand, the complement: DICER1 is on the minus strand). VCF-style: chr14-95107630-G-C. GRCh37 (hg19) VCF-style: chr14-95573967-G-C.
Other names: c.2782C>G (NM_177438.2); c.2782C>G, p.Gln928Glu (NM_001195573.1, NM_001271282.3, NM_001291628.2 and 1 more transcripts); short protein forms Q928E.
Identifiers: ClinVar variation 1016011 (VCV001016011.12), dbSNP rs1891553550, ClinGen allele CA390879446.